The following is an entry in ClinVar:

NM_004085.4(TIMM8A):c.153_223dup (p.Gln75delinsLeuGlyGlnSerTrpThrValGlyLeuArgProValLeuTer)

Gene: TIMM8A (translocase of inner mitochondrial membrane 8A; minus strand). Cytogenetic location: Xq22.1.
Variant type: Duplication.
Coding change: c.153_223dup on transcript NM_004085.4 (MANE Select); coding-DNA positions 153 to 223, 71 bases duplicated.
Protein change: p.Gln75delinsLeuGlyGlnSerTrpThrValGlyLeuArgProValLeuTer.
Molecular consequence: nonsense. On other transcripts: 3 prime UTR variant (1).
Genome position (GRCh38, 1-based): chrX:101,346,570-101,346,640, 71 bases duplicated. GRCh37 (hg19): chrX:100,601,565-100,601,635.
Other names: c.*1747_*1817dup (NM_001145951.2).
Identifiers: ClinVar variation 3601880 (VCV003601880.1).

ClinVar aggregate classification (germline): Pathogenic (1 of 4 stars; one submission).

Conditions:
Deafness dystonia syndrome (MTS). Also called: DYSTONIA-DEAFNESS SYNDROME, X-LINKED; Opticoacustic nerve atrophy with dementia; Nerve deafness optic nerve atrophy, and dementia; Syndrome of opticoacoustic nerve atrophy with dementia; Deafness-Dystonia-Optic Neuronopathy Syndrome; DEAFNESS SYNDROME, PROGRESSIVE, WITH BLINDNESS, DYSTONIA, FRACTURES, AND MENTAL DEFICIENCY. Identifiers: Orphanet 52368, MedGen C0796074, MONDO:0010578, OMIM 304700.

Submission:

Institute of Rare Diseases, West China Hospital, Sichuan University
Classification: Pathogenic for Deafness dystonia syndrome. Last evaluated: 2025-01-09. Review status: criteria provided, single submitter. Criteria: ClinGen HL ACMG Specifications v1. Collection method: research. Allele origin: germline. Affected: yes.
Comment: PVS1;PM3_Supporting;PM2_Supporting